The following is an entry in ClinVar:

ClinVar aggregate classification (germline): Uncertain significance. Review status: criteria provided, multiple submitters, no conflicts (2 of 4 stars). 2 submissions from 2 submitters: Uncertain significance (2). Last evaluated 2024-07-20.

Conditions:
Cardiomyopathy (CMYO). Also called: Cardiomyopathies. Identifiers: Orphanet 167848, MedGen C0878544, MONDO:0004994, HP:0001638. Inheritance: Various modes of inheritance.

Allele frequency attached by ClinVar (database versions not stated): gnomAD 0.00001; gnomAD exomes below 0.00001.
gnomAD v4.1: 5 of 1,614,012 alleles (0.00031%); highest among the groups gnomAD compares: Non-Finnish European, 0.00034%; no homozygotes.

Submissions (2):

All of Us Research Program, National Institutes of Health
Classification: Uncertain significance for Cardiomyopathy. Last evaluated: 2024-07-20. Review status: criteria provided, single submitter. Criteria: ACMG Guidelines, 2015. Collection method: clinical testing. Allele origin: germline. Inheritance: Autosomal dominant inheritance. Observed: 3 variant alleles, 3 heterozygotes.
Comment: This missense variant replaces glutamic acid with alanine at codon 806 of the MYH7 protein. This variant is found within a highly conserved region of the myosin head domain. Missense variants in this region have been shown to be significantly overrepresented in individuals with hypertrophic cardiomyopathy (PMID: 27532257). Computational prediction suggests that this variant may have a deleterious impact on protein structure and function (internally defined REVEL score threshold >= 0.7, PMID: 27666373). To our knowledge, functional studies have not been reported for this variant. This variant has been reported in an individual affected with dilated cardiomyopathy (PMID: 30847666). This variant has been identified in 3/282848 chromosomes in the general population by the Genome Aggregation Database (gnomAD). The available evidence is insufficient to determine the role of this variant in disease conclusively. Therefore, this variant is classified as a Variant of Uncertain Significance.

This study involves interpretation of variants in research participants for the purpose of population health screening. Participant phenotype was not available at the time of variant classification. Additional details can be found in publication PMID: 35346344, PMCID: PMC8962531

Color Diagnostics, LLC DBA Color Health
Classification: Uncertain significance for Cardiomyopathy. Last evaluated: 2024-07-11. Review status: criteria provided, single submitter. Criteria: ACMG Guidelines, 2015. Collection method: clinical testing. Allele origin: germline.
Comment: This missense variant replaces glutamic acid with alanine at codon 806 of the MYH7 protein. Computational prediction tools indicate that this variant has a deleterious impact on protein structure and function. To our knowledge, functional studies have not been reported for this variant. This variant has been reported in an individual affected with dilated cardiomyopathy (PMID: 30847666). This variant has been identified in 3/282848 chromosomes in the general population by the Genome Aggregation Database (gnomAD). The available evidence is insufficient to determine the role of this variant in disease conclusively. Therefore, this variant is classified as a Variant of Uncertain Significance.

Literature cited by the submitters: PubMed 27532257 (cited by All of Us Research Program, National Institutes of Health); PubMed 30847666 (cited by All of Us Research Program, National Institutes of Health and Color Diagnostics, LLC DBA Color Health).

NM_000257.4(MYH7):c.2417A>C (p.Glu806Ala)

Genes: MYH7 (myosin heavy chain 7; minus strand), LOC126861898 (BRD4-independent group 4 enhancer GRCh37_chr14:23893609-23894808; plus strand). Cytogenetic location: 14q11.2.
Variant type: single nucleotide variant.
Coding change: c.2417A>C on transcript NM_000257.4 (MANE Select); coding-DNA position 2417, A replaced by C.
Protein change: p.Glu806Ala; replaces glutamic acid 806 with alanine.
Molecular consequence: missense variant.
Genome position (GRCh38, 1-based): chr14:23,425,288, T>G on the plus strand (A>C on the coding strand, the complement: MYH7 is on the minus strand). VCF-style: chr14-23425288-T-G. GRCh37 (hg19) VCF-style: chr14-23894497-T-G.
Other names: c.2417A>C, p.Glu806Ala (NM_001407004.1); short protein forms E806A.
Identifiers: ClinVar variation 3071066 (VCV003071066.3), dbSNP rs1408157651, ClinGen allele CA389048461.